The following is an entry in ClinVar:

NM_000069.3(CACNA1S):c.5593del (p.Gln1865fs)

Gene: CACNA1S (calcium voltage-gated channel subunit alpha1 S; minus strand). Cytogenetic location: 1q32.1.
Variant type: Deletion.
Coding change: c.5593del on transcript NM_000069.3 (MANE Select); coding-DNA position 5593, one base deleted (C; older notation c.5593delC).
Protein change: p.Gln1865fs; shifts the reading frame from glutamine 1865.
Molecular consequence: frameshift variant.
Genome position (GRCh38, 1-based): chr1:201,039,860, G deleted on the plus strand (C on the coding strand, the reverse complement: CACNA1S is on the minus strand); the first of 3 consecutive G bases (chr1:201,039,860-201,039,862); deleting any one gives the same sequence. VCF-style (leftmost placement, unchanged base first): chr1-201039859-TG-T. GRCh37 (hg19) VCF-style: chr1-201008987-TG-T.
Other names: p.Gln1865Argfs*19; short protein forms Q1865fs.
Identifiers: ClinVar variation 853874 (VCV000853874.9), dbSNP rs139276856, ClinGen allele CA083907.

ClinVar aggregate classification (germline): Uncertain significance. Review status: criteria provided, multiple submitters, no conflicts (2 of 4 stars). 3 submissions from 3 submitters: Uncertain significance (3). Last evaluated 2025-12-05.

Conditions:
Hypokalemic periodic paralysis, type 1. Also called: Hypokalemic Periodic Paralysis Type 1 (AD); HypoPP. Identifiers: Orphanet 681, MedGen C3714580, MONDO:0042979, OMIM 170400.
Malignant hyperthermia, susceptibility to, 5 (MHS5). Also called: CACNA1S-Related Malignant Hyperthermia Susceptibility. Identifiers: Orphanet 423, MedGen C1866077, MONDO:0011163, OMIM 601887.

Submissions (3):

Labcorp Genetics (formerly Invitae), Labcorp
Classification: Uncertain significance for Hypokalemic periodic paralysis, type 1; Malignant hyperthermia, susceptibility to, 5. Last evaluated: 2025-12-05. Review status: criteria provided, single submitter. Criteria: Invitae Variant Classification Sherloc (09022015). Collection method: clinical testing. Allele origin: germline.
Comment: This sequence change is expected to alter the c-terminus of the CACNA1S protein (p.Gln1865Argfs*19). While this is not anticipated to result in nonsense mediated decay, it is expected to disrupt the last 9 amino acid(s) of the CACNA1S protein and extend the protein by 9 additional amino acid residues. This variant is present in population databases (rs139276856, gnomAD 0.08%). This variant has not been reported in the literature in individuals affected with CACNA1S-related conditions. ClinVar contains an entry for this variant (Variation ID: 853874). In summary, the available evidence is currently insufficient to determine the role of this variant in disease. Therefore, it has been classified as a Variant of Uncertain Significance.

Color Diagnostics, LLC DBA Color Health
Classification: Uncertain significance for Malignant hyperthermia, susceptibility to, 5. Last evaluated: 2025-11-18. Review status: criteria provided, single submitter. Criteria: ACMG Guidelines, 2015. Collection method: clinical testing. Allele origin: germline.
Comment: This variant deletes 1 nucleotide in exon 44 of the CACNA1S gene, creating a frameshift and premature translation stop signal. This variant is expected to result in an absent or non-functional protein product. To our knowledge, this variant has not been reported in individuals affected with CACNA1S-related disorders in the literature. This variant has been identified in 74/1608850 chromosomes in the general population by the Genome Aggregation Database (gnomAD). The available evidence is insufficient to determine the role of this variant in disease conclusively. Therefore, this variant is classified as a Variant of Uncertain Significance.

Mayo Clinic Laboratories, Mayo Clinic
Classification: Uncertain significance. Last evaluated: 2022-02-07. Review status: criteria provided, single submitter. Criteria: ACMG Guidelines, 2015. Collection method: clinical testing. Allele origin: germline. Observed: 1 variant allele.